The following is an entry in ClinVar:

NM_012062.5(DNM1L):c.1543C>A (p.Gln515Lys)

Gene: DNM1L (dynamin 1 like; plus strand). Cytogenetic location: 12p11.21.
Variant type: single nucleotide variant.
Coding change: c.1543C>A on transcript NM_012062.5 (MANE Select); coding-DNA position 1543, C replaced by A.
Protein change: p.Gln515Lys; replaces glutamine 515 with lysine.
Molecular consequence: missense variant.
Genome position (GRCh38, 1-based): chr12:32,737,108, C>A. VCF-style: chr12-32737108-C-A. GRCh37 (hg19) VCF-style: chr12-32890042-C-A.
Other names: c.1543C>A, p.Gln515Lys (NM_001278463.2, NM_005690.5, NM_012063.4); c.1582C>A, p.Gln528Lys (NM_001278464.2, NM_001278465.2, NM_001330380.2); c.934C>A, p.Gln312Lys (NM_001278466.2); short protein forms Q528K, Q312K, Q515K.
Identifiers: ClinVar variation 3841694 (VCV003841694.2).

ClinVar aggregate classification (germline): Uncertain significance. Review status: criteria provided, multiple submitters, no conflicts (2 of 4 stars). 2 submissions from 2 submitters: Uncertain significance (2). Last evaluated 2025-08-16.

Conditions:
Inborn genetic diseases. Identifiers: MedGen C0950123, MeSH D030342.

gnomAD v4.1: 1 of 1,613,562 alleles (0.000062%); highest among the groups gnomAD compares: Non-Finnish European, 0.000085%; no homozygotes.

Submissions (2):

GeneDx
Classification: Uncertain significance. Last evaluated: 2025-08-16. Review status: criteria provided, single submitter. Criteria: GeneDx Variant Classification Process June 2021. Collection method: clinical testing. Allele origin: germline. Affected: yes.
Comment: Not observed at significant frequency in large population cohorts (gnomAD); In silico analysis suggests that this missense variant does not alter protein structure/function; Has not been previously published as pathogenic or benign to our knowledge

Ambry Genetics
Classification: Uncertain significance for Inborn genetic diseases. Last evaluated: 2025-02-19. Review status: criteria provided, single submitter. Criteria: Ambry Variant Classification Scheme 2023. Collection method: clinical testing. Allele origin: germline.